The following is an entry in ClinVar:

ClinVar aggregate classification (germline): Uncertain significance (1 of 4 stars; one submission).

Conditions:
COG5-congenital disorder of glycosylation. Also called: CDG IIi; CONGENITAL DISORDER OF GLYCOSYLATION, TYPE IIi; COG5-CDG. Identifiers: Orphanet 263487, MedGen C3150876, MONDO:0013325, OMIM 613612.

Allele frequency attached by ClinVar (database versions not stated): ExAC 0.00001.
gnomAD v4.1: 10 of 1,613,600 alleles (0.00062%); highest among the groups gnomAD compares: South Asian, 0.0033%; no homozygotes.

Submission:

Labcorp Genetics (formerly Invitae), Labcorp
Classification: Uncertain significance for COG5-congenital disorder of glycosylation. Last evaluated: 2022-08-16. Review status: criteria provided, single submitter. Criteria: Invitae Variant Classification Sherloc (09022015). Collection method: clinical testing. Allele origin: germline.
Comment: This sequence change replaces proline, which is neutral and non-polar, with serine, which is neutral and polar, at codon 29 of the COG5 protein (p.Pro29Ser). This variant is present in population databases (rs761569594, gnomAD 0.004%). This variant has not been reported in the literature in individuals affected with COG5-related conditions. Algorithms developed to predict the effect of missense changes on protein structure and function are either unavailable or do not agree on the potential impact of this missense change (SIFT: "Tolerated"; PolyPhen-2: "Probably Damaging"; Align-GVGD: "Class C0"). In summary, the available evidence is currently insufficient to determine the role of this variant in disease. Therefore, it has been classified as a Variant of Uncertain Significance.

NM_006348.5(COG5):c.-9C>T

Gene: COG5 (component of oligomeric golgi complex 5; minus strand). Cytogenetic location: 7q22.3.
Variant type: single nucleotide variant.
Coding change: c.-9C>T on transcript NM_006348.5 (MANE Select); 9 bases upstream of the start codon, C replaced by T.
Molecular consequence: 5 prime UTR variant.
Genome position (GRCh38, 1-based): chr7:107,563,905, G>A on the plus strand (C>T on the coding strand, the complement: COG5 is on the minus strand). VCF-style: chr7-107563905-G-A. GRCh37 (hg19) VCF-style: chr7-107204350-G-A.
Other names: c.-9C>T (NM_001161520.2, NM_001379511.1, NM_001379512.1 and 5 more transcripts).
Identifiers: ClinVar variation 2166179 (VCV002166179.1), dbSNP rs761569594, ClinGen allele CA4431602.